The following is an entry in ClinVar:

NM_001003699.4(RREB1):c.3320C>T (p.Ser1107Phe)

Gene: RREB1 (ras responsive element binding protein 1; plus strand). Cytogenetic location: 6p24.3.
Variant type: single nucleotide variant.
Coding change: c.3320C>T on transcript NM_001003699.4 (MANE Select); coding-DNA position 3320, C replaced by T.
Protein change: p.Ser1107Phe; replaces serine 1107 with phenylalanine.
Molecular consequence: missense variant.
Genome position (GRCh38, 1-based): chr6:7,231,419, C>T. VCF-style: chr6-7231419-C-T. GRCh37 (hg19) VCF-style: chr6-7231652-C-T.
Other names: c.3320C>T, p.Ser1107Phe (NM_001003698.4, NM_001003700.2, NM_001168344.2); short protein forms S1107F.
Identifiers: ClinVar variation 3156421 (VCV003156421.14), dbSNP rs368515443, ClinGen allele CA3626131.

ClinVar aggregate classification (germline): Conflicting classifications of pathogenicity. Review status: criteria provided, conflicting classifications (1 of 4 stars). 2 submissions from 2 submitters: Uncertain significance (1); Likely benign (1). Last evaluated 2025-02-01.

Allele frequency attached by ClinVar (database versions not stated): gnomAD 0.00005; ExAC 0.00006; ESP Exome Variant Server 0.00008; TOPMed 0.00008; gnomAD exomes 0.00009.
gnomAD v4.1: 139 of 1,613,218 alleles (0.0086%); highest among the groups gnomAD compares: Non-Finnish European, 0.011%; no homozygotes.

Submissions (2):

CeGaT Center for Human Genetics Tuebingen
Classification: Likely benign. Last evaluated: 2025-02-01. Review status: criteria provided, single submitter. Criteria: CeGaT Center For Human Genetics Tuebingen Variant Classification Criteria Version 2. Collection method: clinical testing. Allele origin: germline. Affected: yes. Observed: 1 variant allele.
Comment: RREB1: BP4, BS2

Ambry Genetics
Classification: Uncertain significance. Last evaluated: 2022-01-10. Review status: criteria provided, single submitter. Criteria: Ambry Variant Classification Scheme 2023. Collection method: clinical testing. Allele origin: germline.